The following is an entry in ClinVar:

ClinVar aggregate classification (germline): Likely pathogenic (1 of 4 stars; one submission).

Conditions:
Long QT syndrome (LQTS). Identifiers: MedGen C0023976, MeSH D008133, MONDO:0002442. Disease mechanism: loss of function. Inheritance: Various modes of inheritance.

Submission:

Labcorp Genetics (formerly Invitae), Labcorp
Classification: Likely pathogenic for Long QT syndrome. Last evaluated: 2023-03-10. Review status: criteria provided, single submitter. Criteria: Invitae Variant Classification Sherloc (09022015). Collection method: clinical testing. Allele origin: germline.
Comment: This sequence change replaces proline, which is neutral and non-polar, with leucine, which is neutral and non-polar, at codon 320 of the KCNQ1 protein (p.Pro320Leu). This variant is not present in population databases (gnomAD no frequency). This missense change has been observed in individual(s) with clinical features of KCNQ1-related conditions (Invitae). ClinVar contains an entry for this variant (Variation ID: 1411474). Advanced modeling of protein sequence and biophysical properties (such as structural, functional, and spatial information, amino acid conservation, physicochemical variation, residue mobility, and thermodynamic stability) performed at Invitae indicates that this missense variant is expected to disrupt KCNQ1 protein function. This variant disrupts the p.Pro320 amino acid residue in KCNQ1. Other variant(s) that disrupt this residue have been determined to be pathogenic (PMID: 17470695, 19540844, 22949429, 23392653; Invitae). This suggests that this residue is clinically significant, and that variants that disrupt this residue are likely to be disease-causing. In summary, the currently available evidence indicates that the variant is pathogenic, but additional data are needed to prove that conclusively. Therefore, this variant has been classified as Likely Pathogenic.

Literature cited by the submitters: PubMed 17470695; PubMed 19540844; PubMed 22949429; PubMed 23392653.

NM_000218.3(KCNQ1):c.959C>T (p.Pro320Leu)

Gene: KCNQ1 (potassium voltage-gated channel subfamily Q member 1; plus strand). Cytogenetic location: 11p15.5.
Variant type: single nucleotide variant.
Coding change: c.959C>T on transcript NM_000218.3 (MANE Select); coding-DNA position 959, C replaced by T.
Protein change: p.Pro320Leu; replaces proline 320 with leucine.
Molecular consequence: missense variant.
Genome position (GRCh38, 1-based): chr11:2,583,472, C>T. VCF-style: chr11-2583472-C-T. GRCh37 (hg19) VCF-style: chr11-2604702-C-T.
Other names: c.959C>T, p.Pro320Leu (NM_001406836.1); c.689C>T, p.Pro230Leu (NM_001406837.1); c.515C>T, p.Pro172Leu (NM_001406838.1); c.578C>T, p.Pro193Leu (NM_181798.2); short protein forms P320L, P193L, P172L, P230L.
Identifiers: ClinVar variation 1411474 (VCV001411474.9), dbSNP rs199473470, ClinGen allele CA379133003.